The following is an entry in ClinVar:

NM_000642.3(AGL):c.2953G>A (p.Gly985Ser)

Gene: AGL (amylo-alpha-1,6-glucosidase and 4-alpha-glucanotransferase; plus strand). Cytogenetic location: 1p21.2.
Variant type: single nucleotide variant.
Coding change: c.2953G>A on transcript NM_000642.3 (MANE Select); coding-DNA position 2953, G replaced by A.
Protein change: p.Gly985Ser; replaces glycine 985 with serine.
Molecular consequence: missense variant.
Genome position (GRCh38, 1-based): chr1:99,891,609, G>A. VCF-style: chr1-99891609-G-A. GRCh37 (hg19) VCF-style: chr1-100357165-G-A.
Other names: c.2953G>A, p.Gly985Ser (NM_000028.3, NM_000643.3, NM_000644.3 and 1 more transcripts); c.2905G>A, p.Gly969Ser (NM_000646.3); c.2932G>A, p.Gly978Ser (NM_001425326.1); c.2752G>A, p.Gly918Ser (NM_001425327.1); c.2749G>A, p.Gly917Ser (NM_001425328.1); c.2614G>A, p.Gly872Ser (NM_001425329.1); c.2575G>A, p.Gly859Ser (NM_001425332.1); short protein forms G985S, G969S, G859S, G872S, G917S, G918S, G978S.
Identifiers: ClinVar variation 1958955 (VCV001958955.2), dbSNP rs2524723734, ClinGen allele CA341325534.
Genomic context (GRCh38, chr1:99,891,609, plus strand): 5'-AAACACACCTAGTCTGTACACATACCAAATTAACTTTCAAATTTATTTTAATTACAGGTT[G>A]GTAAATGGTTGCAGGCTATGTTCTTCTACCTGAAGCAGATCCCACGTTACCTTATCCCAT-3'
Protein context (NP_000633.2, residues 975-995): ISRSGTIAEV[Gly985Ser]KWLQAMFFYL

ClinVar aggregate classification (germline): Uncertain significance (1 of 4 stars; one submission).

Conditions:
Glycogen storage disease type III (GSD3). Also called: FORBES DISEASE; Cori disease. Identifiers: Orphanet 366, MedGen C0017922, MONDO:0009291, OMIM 232400.

Submission:

Labcorp Genetics (formerly Invitae), Labcorp
Classification: Uncertain significance for Glycogen storage disease type III. Last evaluated: 2022-03-18. Review status: criteria provided, single submitter. Criteria: Invitae Variant Classification Sherloc (09022015). Collection method: clinical testing. Allele origin: germline.
Comment: This sequence change replaces glycine, which is neutral and non-polar, with serine, which is neutral and polar, at codon 985 of the AGL protein (p.Gly985Ser). This variant is not present in population databases (gnomAD no frequency). This variant has not been reported in the literature in individuals affected with AGL-related conditions. Algorithms developed to predict the effect of missense changes on protein structure and function are either unavailable or do not agree on the potential impact of this missense change (SIFT: "Tolerated"; PolyPhen-2: "Possibly Damaging"; Align-GVGD: "Class C0"). In summary, the available evidence is currently insufficient to determine the role of this variant in disease. Therefore, it has been classified as a Variant of Uncertain Significance.